The following is an entry in ClinVar:

NM_007294.4(BRCA1):c.81-6T>A

Gene: BRCA1 (BRCA1 DNA repair associated; minus strand). Cytogenetic location: 17q21.31.
Variant type: single nucleotide variant.
Coding change: c.81-6T>A on transcript NM_007294.4 (MANE Select); 6 bases into the intron before coding-DNA position 81, T replaced by A.
Molecular consequence: intron variant.
Genome position (GRCh38, 1-based): chr17:43,115,785, A>T on the plus strand (T>A on the coding strand, the complement: BRCA1 is on the minus strand). VCF-style: chr17-43115785-A-T. GRCh37 (hg19) VCF-style: chr17-41267802-A-T.
Other names: c.-61-6T>A (NM_001408458.1, NM_001408470.1, NM_001407848.1 and 47 more transcripts); c.-219+9492T>A (NM_001407967.1); c.-170+9492T>A (NM_001407959.1); c.-7-9252T>A (NM_001407931.1, NM_001407747.1, NM_001408511.1 and 2 more transcripts); c.-223-6T>A (NM_001407962.1, NM_001408512.1, NM_001408510.1 and 1 more transcripts); c.-108-6T>A (NM_001407885.1, NM_001407886.1, NM_001408509.1 and 52 more transcripts); c.-177-6T>A (NM_001407746.1, NM_001408468.1, NM_001407842.1 and 13 more transcripts); c.-8+8232T>A (NM_001408461.1, NM_001407738.1, NM_001407932.1 and 23 more transcripts); and 10 more.
Identifiers: ClinVar variation 55718 (VCV000055718.10), dbSNP rs80358179, ClinGen allele CA003915.

ClinVar aggregate classification (germline): Likely pathogenic. Review status: reviewed by expert panel (3 of 4 stars). 4 submissions from 4 submitters: Likely pathogenic (1). 3 of the submissions do not count toward it. Last evaluated 2025-12-02.

Conditions:
Hereditary cancer-predisposing syndrome. Also called: Hereditary Cancer Syndrome; Hereditary neoplastic syndrome; Neoplastic Syndromes, Hereditary; Tumor predisposition. Identifiers: Orphanet 140162, MedGen C0027672, MeSH D009386, MONDO:0015356.
Familial cancer of breast. Also called: hereditary breast carcinoma; BREAST CANCER, FAMILIAL; Hereditary breast cancer. Identifiers: Orphanet 227535, MedGen C0346153, MONDO:0016419, OMIM 114480. Disease mechanism: loss of function.
BRCA1-related cancer predisposition. Identifiers: MedGen CN377757, MONDO:0700268.

Submissions (5):

ClinGen ENIGMA BRCA1 and BRCA2 Variant Curation Expert Panel, ClinGen
Classification: Likely pathogenic for BRCA1-related cancer predisposition. Last evaluated: 2025-12-02. Review status: reviewed by expert panel. Criteria: CSpec BRCA12ACMG Rules Specifications V1.1. Collection method: curation. Allele origin: germline. Inheritance: Autosomal dominant inheritance.
Comment: The c.81-6T>A variant is an intronic variant occurring in intron 2 of the BRCA1 gene. This variant is absent from gnomAD v2.1 (exomes only, non-cancer subset, read depth ≥25) and gnomAD v3.1 (non-cancer subset, read depth ≥25) (PM2_Supporting met). Intronic variant, functional data considered only from assays that measure effect via mRNA and protein. Reported by one calibrated study incorporating mRNA splicing effects to exhibit protein function similar to pathogenic control variants (PMID:30209399) (PS3 met). This BRCA1 intronic variant is located outside of the native donor and acceptor 1,2 splice sites, and has a SpliceAI score of 0.96, predicting an impact on splicing (score threshold >0.20) (PP3 not applied because a PVS1 code is met). This variant is reported to result in aberrant mRNA splicing. RT-PCR demonstrated that the variant impacts splicing by retention of 4 bases from the end of intron 2 due to inactivation of the normal splice site and activation of a cryptic splice site, leading to an out-of-frame fusion between exon 2 and exon 3. Sanger sequencing shows equal signal intensity for the normal and aberrant transcripts. (PMID: 18693280). Exonic SNP analysis was unable to assess the allelic contribution of the variant allele to the wild-type transcript. Final code strength determined by the rubric: PVS1_Supporting (RNA). In summary, this variant meets the criteria to be classified as a Likely pathogenic variant for BRCA1-related cancer predisposition based on the ACMG/AMP criteria applied as specified by the ENIGMA BRCA1/2 VCEP (PM2_Supporting, PS3, PVS1_Supporting (RNA)).

Ambry Genetics
Classification: Likely pathogenic for Hereditary cancer-predisposing syndrome. Last evaluated: 2021-11-24. Review status: criteria provided, single submitter. Criteria: Ambry Variant Classification Scheme 2023. Collection method: clinical testing. Allele origin: germline. Not counted in ClinVar's aggregate classification.
Comment: The c.81-6T>A intronic variant results from a T to A substitution 6 nucleotides upstream from coding exon 2 in the BRCA1 gene. One functional study found that this nucleotide substitution is non-functional in a high-throughput, genome editing, haploid cell survival assay (Findlay GM et al. Nature, 2018 10;562:217-222). In one family, this alteration was identified in five family members diagnosed with breast or ovarian cancer as well as three unaffected family members (Mohammadi L et al. BMC Cancer, 2009 Jun;9:211). This nucleotide position is not well conserved in available vertebrate species. In silico splice site analysis predicts that this alteration will result in the creation or strengthening of a novel splice acceptor site, and a study utilizing in vitro RNA molecular characterization found that this alteration resulted in a transcript which retains four nucleotides in intron 2 and subsequently could lead to a truncated protein (Vreeswijk MP et al. Hum Mutat, 2009 Jan;30:107-14). Based on the majority of available evidence to date, this variant is likely to be pathogenic.

GeneDx
Classification: Uncertain significance. Last evaluated: 2019-09-12. Review status: criteria provided, single submitter. Criteria: GeneDx Variant Classification Process June 2021. Collection method: clinical testing. Allele origin: germline. Affected: yes. Not counted in ClinVar's aggregate classification.
Comment: Not observed in large population cohorts (Lek 2016); In silico analysis, which includes splice predictors and evolutionary conservation, supports a deleterious effect; This variant is associated with the following publications: (PMID: 18693280, 25525159, 30209399, 29936257, 19563646, 23893897, 19370767)

Brotman Baty Institute, University of Washington
No classification provided (evidence only). Condition: Breast-ovarian cancer, familial 1. Review status: no classification provided. Collection method: in vitro. Allele origin: not applicable. Functional consequence: functionally_abnormal. Not counted in ClinVar's aggregate classification.
ClinVar note: "not provided" was previously submitted as the classification for the variant. However, the classification appeared to be based only on an observation of functional data so it was converted to no classification on 2025-07-30.

ClinVar Staff, National Center for Biotechnology Information (NCBI)
No classification provided. Condition: Familial cancer of breast. Review status: no classification provided. Collection method: literature only. Allele origin: germline. Affected: yes. Not counted in ClinVar's aggregate classification.

Literature cited by the submitters: PubMed 18693280 (cited by Ambry Genetics and ClinVar Staff, National Center for Biotechnology Information (NCBI)); PubMed 19563646 (cited by Ambry Genetics); PubMed 30209399 (cited by Ambry Genetics).